The following is an entry in ClinVar:

NM_004448.4(ERBB2):c.1466C>T (p.Pro489Leu)

Gene: ERBB2 (erb-b2 receptor tyrosine kinase 2; plus strand). Cytogenetic location: 17q12.
Variant type: single nucleotide variant.
Coding change: c.1466C>T on transcript NM_004448.4 (MANE Select); coding-DNA position 1466, C replaced by T.
Protein change: p.Pro489Leu; replaces proline 489 with leucine.
Molecular consequence: missense variant. On other transcripts: non-coding transcript variant (1), intron variant (1).
Genome position (GRCh38, 1-based): chr17:39,715,892, C>T. VCF-style: chr17-39715892-C-T. GRCh37 (hg19) VCF-style: chr17-37872145-C-T.
Other names: c.1466C>T, p.Pro489Leu (NM_001382793.1, NM_001382794.1, NM_001382795.1 and 12 more transcripts); c.1286C>T, p.Pro429Leu (NM_001382799.1); c.1208C>T, p.Pro403Leu (NM_001382802.1); c.1376C>T (NM_001005862.1); c.1376C>T, p.Pro459Leu (NM_001005862.3, NM_001289938.2, NM_001382782.1 and 1 more transcripts); c.1421C>T, p.Pro474Leu (NM_001289936.2); c.1583C>T, p.Pro528Leu (NM_001382784.1, NM_001382786.1); c.1541C>T, p.Pro514Leu (NM_001382787.1); and 4 more; short protein forms P459L, P489L, P474L, P213L, P403L, P429L, P486L, P496L.
Identifiers: ClinVar variation 134071 (VCV000134071.15), dbSNP rs142456637, ClinGen allele CA158574.

ClinVar aggregate classification (germline): Conflicting classifications of pathogenicity. Review status: criteria provided, conflicting classifications (1 of 4 stars). 7 submissions from 7 submitters: Uncertain significance (5); Likely benign (1). 1 of the submissions does not count toward it. Last evaluated 2025-12-22.

Conditions:
Glioma susceptibility 1 (GLM1). Also called: Glioblastoma, somatic. Identifiers: MedGen C2750850, MONDO:0024498, OMIM 137800.
Visceral neuropathy, familial, 2, autosomal recessive. Identifiers: MedGen C5561950, MONDO:0030399, OMIM 619465.
Gastric cancer. Also called: Stomach cancer; Malignant tumor of stomach. Identifiers: MedGen C0024623, MeSH D013274, MONDO:0001056, OMIM 613659, HP:0012126.
Lung cancer. Also called: Lung cancer, somatic; Malignant tumor of lung. Identifiers: MedGen C0242379, MONDO:0008903, OMIM 211980.
Ovarian cancer. Also called: OVARIAN CANCER, SOMATIC. Identifiers: Orphanet 213500, MedGen C1140680, MONDO:0008170, OMIM 167000.

Allele frequency attached by ClinVar (database versions not stated): 1000 Genomes Project 0.00040; 1000 Genomes Project 30x 0.00047; gnomAD 0.00068 and 0.00069; ESP Exome Variant Server 0.00069; gnomAD exomes 0.00072 and 0.00077; ExAC 0.00077; TOPMed 0.00089.
gnomAD v4.1: 1,180 of 1,612,320 alleles (0.073%); highest among the groups gnomAD compares: Middle Eastern, 0.21%; no homozygotes.

Submissions (7):

Labcorp Genetics (formerly Invitae), Labcorp
Classification: Uncertain significance. Last evaluated: 2025-12-22. Review status: criteria provided, single submitter. Criteria: Invitae Variant Classification Sherloc (09022015). Collection method: clinical testing. Allele origin: germline.
Comment: This sequence change replaces proline, which is neutral and non-polar, with leucine, which is neutral and non-polar, at codon 489 of the ERBB2 protein (p.Pro489Leu). This variant is present in population databases (rs142456637, gnomAD 0.1%), and has an allele count higher than expected for a pathogenic variant. This missense change has been observed in individual(s) with breast cancer (PMID: 26094658). ClinVar contains an entry for this variant (Variation ID: 134071). Invitae Evidence Modeling of protein sequence and biophysical properties (such as structural, functional, and spatial information, amino acid conservation, physicochemical variation, residue mobility, and thermodynamic stability) indicates that this missense variant is not expected to disrupt ERBB2 protein function with a negative predictive value of 80%. In summary, the available evidence is currently insufficient to determine the role of this variant in disease. Therefore, it has been classified as a Variant of Uncertain Significance.

Blueprint Genetics
Classification: Likely benign. Last evaluated: 2024-11-27. Review status: criteria provided, single submitter. Criteria: ACMG Guidelines, 2015. Collection method: clinical testing. Allele origin: germline.

Fulgent Genetics
Classification: Uncertain significance for Glioma susceptibility 1; Ovarian cancer; Lung cancer; Gastric cancer; Visceral neuropathy, familial, 2, autosomal recessive. Last evaluated: 2024-03-07. Review status: criteria provided, single submitter. Criteria: ACMG Guidelines, 2015. Collection method: clinical testing. Allele origin: germline.

Department of Pathology and Laboratory Medicine, Sinai Health System
Classification: Uncertain significance for Glioma susceptibility 1; Visceral neuropathy, familial, 2, autosomal recessive; Lung cancer; Ovarian cancer. Last evaluated: 2023-04-08. Review status: criteria provided, single submitter. Criteria: ACMG Guidelines, 2015. Collection method: research. Allele origin: germline.

Institute for Clinical Genetics, University Hospital TU Dresden, University Hospital TU Dresden
Classification: Uncertain significance. Last evaluated: 2021-11-03. Review status: criteria provided, single submitter. Criteria: ACMG Guidelines, 2015. Collection method: clinical testing. Allele origin: germline.

Breakthrough Genomics
Classification: Uncertain significance. Review status: criteria provided, single submitter. Criteria: ACMG Guidelines, 2015. Collection method: not provided. Allele origin: germline. Inheritance: Autosomal recessive inheritance. Affected: yes.

ITMI
No classification provided. Condition: AllHighlyPenetrant. Last evaluated: 2013-09-19. Review status: no classification provided. Collection method: reference population. Allele origin: germline. Not counted in ClinVar's aggregate classification.
Comment: Please see associated publication for description of ethnicities

Literature cited by the submitters: PubMed 26094658 (cited by Labcorp Genetics (formerly Invitae), Labcorp); PubMed 24728327 (cited by ITMI).